The following is an entry in ClinVar:

ClinVar aggregate classification (germline): Uncertain significance. Review status: criteria provided, multiple submitters, no conflicts (2 of 4 stars). 2 submissions from 2 submitters: Uncertain significance (2). Last evaluated 2023-05-08.

Conditions:
Acrocallosal syndrome (ACLS). Also called: HALLUX DUPLICATION, POSTAXIAL POLYDACTYLY, AND ABSENCE OF CORPUS CALLOSUM; Schinzel syndrome 1; Absence of corpus callosum with unusual facial appearance, mental deficiency, duplication of the halluces and polydactyly. Identifiers: Orphanet 36, MedGen C0796147, MONDO:0008708, OMIM 200990.

Allele frequency attached by ClinVar (database versions not stated): gnomAD exomes 0.00001.
gnomAD v4.1: 9 of 1,551,808 alleles (0.00058%); highest among the groups gnomAD compares: Non-Finnish European, 0.0007%; no homozygotes.

Submissions (3):

Labcorp Genetics (formerly Invitae), Labcorp
Classification: Uncertain significance for Acrocallosal syndrome. Last evaluated: 2023-05-08. Review status: criteria provided, single submitter. Criteria: Invitae Variant Classification Sherloc (09022015). Collection method: clinical testing. Allele origin: germline.
Comment: This sequence change replaces alanine, which is neutral and non-polar, with valine, which is neutral and non-polar, at codon 73 of the KIF7 protein (p.Ala73Val). In summary, the available evidence is currently insufficient to determine the role of this variant in disease. Therefore, it has been classified as a Variant of Uncertain Significance. Algorithms developed to predict the effect of sequence changes on RNA splicing suggest that this variant may create or strengthen a splice site. Advanced modeling of protein sequence and biophysical properties (such as structural, functional, and spatial information, amino acid conservation, physicochemical variation, residue mobility, and thermodynamic stability) performed at Invitae indicates that this missense variant is not expected to disrupt KIF7 protein function. ClinVar contains an entry for this variant (Variation ID: 886344). This variant has not been reported in the literature in individuals affected with KIF7-related conditions. This variant is present in population databases (no rsID available, gnomAD 0.002%).

Illumina Laboratory Services, Illumina
Classification: Uncertain significance for Acrocallosal syndrome. Last evaluated: 2017-04-28. Review status: criteria provided, single submitter. Criteria: ICSL Variant Classification Criteria 13 December 2019. Collection method: clinical testing. Allele origin: germline.

Dr. Peter K. Rogan Lab, Western University
No classification provided (evidence only). Condition: Colon adenocarcinoma. Review status: no classification provided. Collection method: in vitro. Allele origin: not applicable. Functional consequence: retained intron. Not counted in ClinVar's aggregate classification.

NM_198525.3(KIF7):c.218C>T (p.Ala73Val)

Gene: KIF7 (kinesin family member 7; minus strand). Cytogenetic location: 15q26.1.
Variant type: single nucleotide variant.
Coding change: c.218C>T on transcript NM_198525.3 (MANE Select); coding-DNA position 218, C replaced by T.
Protein change: p.Ala73Val; replaces alanine 73 with valine.
Molecular consequence: missense variant.
Genome position (GRCh38, 1-based): chr15:89,652,713, G>A on the plus strand (C>T on the coding strand, the complement: KIF7 is on the minus strand). VCF-style: chr15-89652713-G-A. GRCh37 (hg19) VCF-style: chr15-90195944-G-A.
Other names: short protein forms A73V.
Identifiers: ClinVar variation 886344 (VCV000886344.9), dbSNP rs552362795, ClinGen allele CA393780028.